The following is an entry in ClinVar:

NM_002202.3(ISL1):c.-4A>G

Gene: ISL1 (ISL LIM homeobox 1; plus strand). Cytogenetic location: 5q11.1.
Variant type: single nucleotide variant.
Coding change: c.-4A>G on transcript NM_002202.3 (MANE Select); 4 bases upstream of the start codon, A replaced by G.
Molecular consequence: 5 prime UTR variant.
Genome position (GRCh38, 1-based): chr5:51,383,668, A>G. VCF-style: chr5-51383668-A-G. GRCh37 (hg19) VCF-style: chr5-50679502-A-G.
Identifiers: ClinVar variation 3355551 (VCV003355551.1).

ClinVar aggregate classification (germline): Likely benign (0 of 4 stars; one submission).

Conditions:
ISL1-related disorder. Also called: ISL1-related condition.

gnomAD v4.1: 3 of 1,608,086 alleles (0.00019%); highest among the groups gnomAD compares: Non-Finnish European, 0.00026%; no homozygotes.

Submission:

PreventionGenetics, part of Exact Sciences
Classification: Likely benign for ISL1-related condition. Last evaluated: 2024-02-28. Review status: no assertion criteria provided. Collection method: clinical testing. Allele origin: germline.
Comment: This variant is classified as likely benign based on ACMG/AMP sequence variant interpretation guidelines (Richards et al. 2015 PMID: 25741868, with internal and published modifications).